The following is an entry in ClinVar:

ClinVar aggregate classification (germline): Uncertain significance. Review status: criteria provided, multiple submitters, no conflicts (2 of 4 stars). 2 submissions from 2 submitters: Uncertain significance (2). Last evaluated 2023-08-07.

Conditions:
Hereditary cancer-predisposing syndrome. Also called: Hereditary Cancer Syndrome; Hereditary neoplastic syndrome; Neoplastic Syndromes, Hereditary; Tumor predisposition. Identifiers: Orphanet 140162, MedGen C0027672, MeSH D009386, MONDO:0015356.

Submissions (2):

Ambry Genetics
Classification: Uncertain significance for Hereditary cancer-predisposing syndrome. Last evaluated: 2023-08-07. Review status: criteria provided, single submitter. Criteria: Ambry Variant Classification Scheme 2023. Collection method: clinical testing. Allele origin: germline.
Comment: The p.A41V variant (also known as c.122C>T), located in coding exon 1 of the CDKN2A (p14ARF) gene, results from a C to T substitution at nucleotide position 122. The alanine at codon 41 is replaced by valine, an amino acid with similar properties. This amino acid position is well conserved in available vertebrate species. In addition, the in silico prediction for this alteration is inconclusive. Since supporting evidence is limited at this time, the clinical significance of this alteration remains unclear.

Blueprint Genetics
Classification: Uncertain significance. Last evaluated: 2022-06-15. Review status: criteria provided, single submitter. Criteria: ACMG Guidelines, 2015. Collection method: clinical testing. Allele origin: germline.

NM_058195.4(CDKN2A):c.122C>T (p.Ala41Val)

Gene: CDKN2A (cyclin dependent kinase inhibitor 2A; minus strand). Cytogenetic location: 9p21.3.
Variant type: single nucleotide variant.
Coding change: c.122C>T on transcript NM_058195.4 (MANE Plus Clinical); coding-DNA position 122, C replaced by T.
Protein change: p.Ala41Val; replaces alanine 41 with valine.
Molecular consequence: missense variant. On other transcripts: intron variant (1).
Genome position (GRCh38, 1-based): chr9:21,994,210, G>A on the plus strand (C>T on the coding strand, the complement: CDKN2A is on the minus strand). VCF-style: chr9-21994210-G-A. GRCh37 (hg19) VCF-style: chr9-21994209-G-A.
Other names: c.-4+611C>T (NM_001363763.2); short protein forms A41V.
Identifiers: ClinVar variation 2625887 (VCV002625887.3), dbSNP rs2131148341, ClinGen allele CA373086901.